The following is an entry in ClinVar:

NM_001204.7(BMPR2):c.1276+3A>T

Gene: BMPR2 (bone morphogenetic protein receptor type 2; plus strand). Cytogenetic location: 2q33.2.
Variant type: single nucleotide variant.
Coding change: c.1276+3A>T on transcript NM_001204.7 (MANE Select); 3 bases into the intron after coding-DNA position 1276, A replaced by T.
Molecular consequence: intron variant.
Genome position (GRCh38, 1-based): chr2:202,532,735, A>T. VCF-style: chr2-202532735-A-T. GRCh37 (hg19) VCF-style: chr2-203397458-A-T.
Other names: c.1276+3A>T (LRG_712t1).
Identifiers: ClinVar variation 425913 (VCV000425913.3), dbSNP rs1085307329, ClinGen allele CA645293834.

ClinVar aggregate classification (germline): Likely pathogenic. Review status: reviewed by expert panel (3 of 4 stars). 2 submissions from 2 submitters: Likely pathogenic (1). 1 of the submissions does not count toward it. Last evaluated 2026-04-10.

Conditions:
Pulmonary arterial hypertension. Identifiers: Orphanet 182090, MedGen C2973725, MeSH D000081029, MONDO:0015924, HP:0002092.
Pulmonary hypertension, primary, 1 (PPH1). Also called: Pulmonary hypertension, familial primary, 1, with or without HHT. Identifiers: Orphanet 422, MedGen C4552070, MONDO:0024533, OMIM 178600.

Submissions (2):

Clingen Pulmonary Hypertension Variant Curation Expert Panel, ClinGen
Classification: Likely pathogenic for Pulmonary arterial hypertension. Last evaluated: 2026-04-10. Review status: reviewed by expert panel. Criteria: ClinGen PH ACMG Specifications BMPR2 V2.0.0. Collection method: curation. Allele origin: germline. Inheritance: Autosomal dominant inheritance.
Comment: The BMPR2 c.1276+3A>T variant is a non-canonical splice site (+3) variant located in intron 9. The variant is absent from gnomAD v.2.1.1 and v4.1.0 (PM2_supporting) and was reported in a single proband with heritable PAH (PMID: 20534176). In silico prediction (SpliceAI = 0.97) indicates the variant will probably impact splicing with loss of the canonical donor site in intron 9 (PP3). This predicted splicing event matches a known likely pathogenic variant (c.1276+4A>G) within the same donor site (PMID: 37352859) (PS1_supporting). Exon skipping or use of a cryptic splice site would disrupt the region encoding the conserved intracellular kinase domain (PM1_strong). No familial segregation data were available, and no functional analysis has been reported for this variant. In summary, the variant meets the criteria to be classified as likely pathogenic for pulmonary arterial hypertension based on the ACMG/AMP criteria applied, as specified by the ClinGen Pulmonary Hypertension VCEP: PM1_strong, PS1_supporting, PM2_supporting, PP3 (VCEP specification version 2.0, 1/30/2026).

Rare Disease Genomics Group, St George's University of London
Classification: Pathogenic for Primary pulmonary hypertension. Review status: no assertion criteria provided. Collection method: literature only. Allele origin: germline. Affected: yes. Not counted in ClinVar's aggregate classification.

Literature cited by the submitters: PubMed 20534176 (cited by Rare Disease Genomics Group, St George's University of London).